The following is an entry in ClinVar:

ClinVar aggregate classification (germline): Uncertain significance. Review status: criteria provided, multiple submitters, no conflicts (2 of 4 stars). 2 submissions from 2 submitters: Uncertain significance (2). Last evaluated 2026-02-04.

Conditions:
Hereditary breast ovarian cancer syndrome. Also called: BRCA1- and BRCA2-Associated Hereditary Breast and Ovarian Cancer; Hereditary breast and ovarian cancer; Breast and ovarian cancer; Hereditary breast and/or ovarian cancer syndrome; Hereditary breast and ovarian cancer syndrome (HBOC); Hereditary breast and ovarian cancer syndrome. Identifiers: Orphanet 145, MedGen C0677776, MeSH D061325, MONDO:0003582. Disease mechanism: loss of function.
Hereditary cancer-predisposing syndrome. Also called: Hereditary Cancer Syndrome; Neoplastic Syndromes, Hereditary; Tumor predisposition; Hereditary neoplastic syndrome. Identifiers: Orphanet 140162, MedGen C0027672, MeSH D009386, MONDO:0015356.

Submissions (2):

Ambry Genetics
Classification: Uncertain significance for Hereditary cancer-predisposing syndrome. Last evaluated: 2026-02-04. Review status: criteria provided, single submitter. Criteria: Ambry Variant Classification Scheme 2023. Collection method: clinical testing. Allele origin: germline.
Comment: The p.E686Q variant (also known as c.2056G>C), located in coding exon 9 of the BRCA1 gene, results from a G to C substitution at nucleotide position 2056. The glutamic acid at codon 686 is replaced by glutamine, an amino acid with highly similar properties. This amino acid position is not well conserved in available vertebrate species. In addition, the in silico prediction for this alteration is inconclusive. Based on the available evidence, the clinical significance of this variant remains unclear.

Labcorp Genetics (formerly Invitae), Labcorp
Classification: Uncertain significance for Hereditary breast ovarian cancer syndrome. Last evaluated: 2024-06-10. Review status: criteria provided, single submitter. Criteria: Invitae Variant Classification Sherloc (09022015). Collection method: clinical testing. Allele origin: germline.
Comment: This sequence change replaces glutamic acid, which is acidic and polar, with glutamine, which is neutral and polar, at codon 686 of the BRCA1 protein (p.Glu686Gln). This variant is not present in population databases (gnomAD no frequency). This variant has not been reported in the literature in individuals affected with BRCA1-related conditions. Advanced modeling of protein sequence and biophysical properties (such as structural, functional, and spatial information, amino acid conservation, physicochemical variation, residue mobility, and thermodynamic stability) performed at Invitae indicates that this missense variant is not expected to disrupt BRCA1 protein function with a negative predictive value of 95%. In summary, the available evidence is currently insufficient to determine the role of this variant in disease. Therefore, it has been classified as a Variant of Uncertain Significance.

NM_007294.4(BRCA1):c.2056G>C (p.Glu686Gln)

Gene: BRCA1 (BRCA1 DNA repair associated; minus strand). Cytogenetic location: 17q21.31.
Variant type: single nucleotide variant.
Coding change: c.2056G>C on transcript NM_007294.4 (MANE Select); coding-DNA position 2056, G replaced by C.
Protein change: p.Glu686Gln; replaces glutamic acid 686 with glutamine.
Molecular consequence: missense variant. On other transcripts: intron variant (137).
Genome position (GRCh38, 1-based): chr17:43,093,475, C>G on the plus strand (G>C on the coding strand, the complement: BRCA1 is on the minus strand). VCF-style: chr17-43093475-C-G. GRCh37 (hg19) VCF-style: chr17-41245492-C-G.
Other names: c.643+1269G>C (NM_001408462.1, NM_001408470.1, NM_001408464.1 and 3 more transcripts); c.709+1269G>C (NM_001408414.1, NM_001408411.1, NM_001408412.1 and 2 more transcripts); c.577+1269G>C (NM_001408514.1, NM_001408485.1, NM_001408481.1 and 9 more transcripts); c.661+1269G>C (NM_001408447.1, NM_001408433.1, NM_001408446.1 and 6 more transcripts); c.784+1269G>C (NM_001408400.1, NM_001408392.1, NM_001407986.1 and 13 more transcripts); c.664+1269G>C (NM_001408441.1, NM_001408437.1, NM_001408429.1 and 12 more transcripts); c.670+2371G>C (NM_001408418.1, NM_001408423.1, NM_001408420.1 and 2 more transcripts); c.787+1269G>C (NM_001407981.1, NM_007298.4, NM_001407978.1 and 19 more transcripts); and 40 more; short protein forms E518Q, E616Q, E639Q, E660Q, E685Q, E390Q, E558Q, E575Q.
Identifiers: ClinVar variation 3634674 (VCV003634674.3).
Genomic context (GRCh38, chr17:43,093,475, plus strand): 5'-GTGCATTTGTTAACTTCAGCTCTGGGAAAGTATCGCTGTCATGTCTTTTACTTGTCTGTT[C>G]ATTTGGCTTGTTACTCTTCTTGGCTCCAGTTGCAGGTTCTTTACCTTCCATGAGTTGTAG-3'
Protein context (NP_009225.1, residues 676-696): TGAKKSNKPN[Glu686Gln]QTSKRHDSDT